The following is an entry in ClinVar:

ClinVar aggregate classification (germline): Uncertain significance. Review status: criteria provided, multiple submitters, no conflicts (2 of 4 stars). 2 submissions from 2 submitters: Uncertain significance (2). Last evaluated 2025-04-07.

Conditions:
Inborn genetic diseases. Identifiers: MedGen C0950123, MeSH D030342.

Allele frequency attached by ClinVar (database versions not stated): TOPMed below 0.00001; ExAC 0.00001; gnomAD 0.00001; 1000 Genomes Project 30x 0.00016; 1000 Genomes Project 0.00020; gnomAD exomes below 0.00001.
gnomAD v4.1: 3 of 1,528,974 alleles (0.0002%); highest among the groups gnomAD compares: East Asian, 0.007%; no homozygotes.

Submissions (2):

Ambry Genetics
Classification: Uncertain significance for Inborn genetic diseases. Last evaluated: 2025-04-07. Review status: criteria provided, single submitter. Criteria: Ambry Variant Classification Scheme 2023. Collection method: clinical testing. Allele origin: germline.

Labcorp Genetics (formerly Invitae), Labcorp
Classification: Uncertain significance. Last evaluated: 2022-03-04. Review status: criteria provided, single submitter. Criteria: Invitae Variant Classification Sherloc (09022015). Collection method: clinical testing. Allele origin: germline.
Comment: In summary, the available evidence is currently insufficient to determine the role of this variant in disease. Therefore, it has been classified as a Variant of Uncertain Significance. Algorithms developed to predict the effect of missense changes on protein structure and function (SIFT, PolyPhen-2, Align-GVGD) all suggest that this variant is likely to be disruptive. This variant has not been reported in the literature in individuals affected with FARSB-related conditions. This variant is present in population databases (rs200751930, gnomAD 0.03%). This sequence change replaces isoleucine, which is neutral and non-polar, with threonine, which is neutral and polar, at codon 150 of the FARSB protein (p.Ile150Thr).

NM_005687.5(FARSB):c.449T>C (p.Ile150Thr)

Gene: FARSB (phenylalanyl-tRNA synthetase subunit beta; minus strand). Cytogenetic location: 2q36.1.
Variant type: single nucleotide variant.
Coding change: c.449T>C on transcript NM_005687.5 (MANE Select); coding-DNA position 449, T replaced by C.
Protein change: p.Ile150Thr; replaces isoleucine 150 with threonine.
Molecular consequence: missense variant. On other transcripts: non-coding transcript variant (1).
Genome position (GRCh38, 1-based): chr2:222,639,586, A>G on the plus strand (T>C on the coding strand, the complement: FARSB is on the minus strand). VCF-style: chr2-222639586-A-G. GRCh37 (hg19) VCF-style: chr2-223504305-A-G.
Other names: c.449T>C (NM_005687.3); short protein forms I150T.
Identifiers: ClinVar variation 1900461 (VCV001900461.6), dbSNP rs200751930, ClinGen allele CA2136664.